The following is an entry in ClinVar:

ClinVar aggregate classification (germline): Uncertain significance (1 of 4 stars; one submission).

Conditions:
Tuberous sclerosis 1 (TSC1). Identifiers: Orphanet 805, MedGen C1854465, MONDO:0008612, OMIM 191100.

gnomAD v4.1: 2 of 1,613,104 alleles (0.00012%); highest among the groups gnomAD compares: African/African-American, 0.0027%; no homozygotes.

Submission:

Labcorp Genetics (formerly Invitae), Labcorp
Classification: Uncertain significance for Tuberous sclerosis 1. Last evaluated: 2025-11-25. Review status: criteria provided, single submitter. Criteria: Invitae Variant Classification Sherloc (09022015). Collection method: clinical testing. Allele origin: germline.
Comment: This sequence change falls in intron 11 of the TSC1 gene. It does not directly change the encoded amino acid sequence of the TSC1 protein. This variant is not present in population databases (gnomAD no frequency). This variant has not been reported in the literature in individuals affected with TSC1-related conditions. ClinVar contains an entry for this variant (Variation ID: 3645457). Algorithms developed to predict the effect of sequence changes on RNA splicing suggest that this variant may disrupt the consensus splice site. In summary, the available evidence is currently insufficient to determine the role of this variant in disease. Therefore, it has been classified as a Variant of Uncertain Significance.

NM_000368.5(TSC1):c.1142-14C>G

Gene: TSC1 (TSC complex subunit 1; minus strand). Cytogenetic location: 9q34.13.
Variant type: single nucleotide variant.
Coding change: c.1142-14C>G on transcript NM_000368.5 (MANE Select); 14 bases into the intron before coding-DNA position 1142, C replaced by G.
Molecular consequence: intron variant.
Genome position (GRCh38, 1-based): chr9:132,910,706, G>C on the plus strand (C>G on the coding strand, the complement: TSC1 is on the minus strand). VCF-style: chr9-132910706-G-C. GRCh37 (hg19) VCF-style: chr9-135786093-G-C.
Other names: c.779-17C>G (NM_001406620.1, NM_001406625.1, NM_001406621.1 and 2 more transcripts); c.779-14C>G (NM_001406618.1, NM_001406617.1, NM_001406619.1 and 5 more transcripts); c.989-17C>G (NM_001406613.1, NM_001406612.1, NM_001406611.1); c.989-14C>G (NM_001406610.1, NM_001162427.2); c.191-17C>G (NM_001406627.1, NM_001406628.1); c.92-17C>G (NM_001406629.1, NM_001406630.1); c.1142-17C>G (NM_001406603.1, NM_001406609.1, NM_001406597.1 and 6 more transcripts); c.1142-14C>G (NM_001406602.1, NM_001406606.1, NM_001406592.1 and 7 more transcripts); and 1 more.
Identifiers: ClinVar variation 3645457 (VCV003645457.2).